The following is an entry in ClinVar:

ClinVar aggregate classification (germline): Uncertain significance (1 of 4 stars; one submission).

Allele frequency attached by ClinVar (database versions not stated): ExAC 0.00001; gnomAD exomes 0.00001.

Submission:

GeneDx
Classification: Uncertain significance. Last evaluated: 2022-01-05. Review status: criteria provided, single submitter. Criteria: GeneDx Variant Classification Process June 2021. Collection method: clinical testing. Allele origin: germline. Affected: yes.
Comment: In silico analysis supports that this missense variant does not alter protein structure/function; Has not been previously published as pathogenic or benign to our knowledge

NM_001008537.3(NEXMIF):c.3482A>G (p.Asp1161Gly)

Gene: NEXMIF (neurite extension and migration factor; minus strand). Cytogenetic location: Xq13.3.
Variant type: single nucleotide variant.
Coding change: c.3482A>G on transcript NM_001008537.3 (MANE Select); coding-DNA position 3482, A replaced by G.
Protein change: p.Asp1161Gly; replaces aspartic acid 1161 with glycine.
Molecular consequence: missense variant.
Genome position (GRCh38, 1-based): chrX:74,741,075, T>C on the plus strand (A>G on the coding strand, the complement: NEXMIF is on the minus strand). VCF-style: chrX-74741075-T-C. GRCh37 (hg19) VCF-style: chrX-73960910-T-C.
Other names: short protein forms D1161G.
Identifiers: ClinVar variation 1695599 (VCV001695599.2), dbSNP rs758308279, ClinGen allele CA10454938.
Genomic context (GRCh38, chrX:74,741,075, plus strand): 5'-GGTGAACTTTTCTTTCTTGATTTTGACACTTTGTTGTTGGTACTAATTTGACCAGATGGA[T>C]CATTAAATGTTGACAGGCAAGGGTTTTTTTGGAGCAGGCTGACAGAATCCTCATCATTGA-3'
Protein context (NP_001008537.1, residues 1151-1171): QKNPCLSTFN[Asp1161Gly]PSGQISTNNK